The following is an entry in ClinVar:

NM_024678.6(NARS2):c.637G>T (p.Val213Phe)

Gene: NARS2 (asparaginyl-tRNA synthetase 2, mitochondrial; minus strand). Cytogenetic location: 11q14.1.
Variant type: single nucleotide variant.
Coding change: c.637G>T on transcript NM_024678.6 (MANE Select); coding-DNA position 637, G replaced by T.
Protein change: p.Val213Phe; replaces valine 213 with phenylalanine.
Molecular consequence: missense variant. On other transcripts: 5 prime UTR variant (1).
Genome position (GRCh38, 1-based): chr11:78,528,894, C>A on the plus strand (G>T on the coding strand, the complement: NARS2 is on the minus strand). VCF-style: chr11-78528894-C-A. GRCh37 (hg19) VCF-style: chr11-78239940-C-A.
Other names: c.-45G>T (NM_001243251.2); short protein forms V213F.
Identifiers: ClinVar variation 632574 (VCV000632574.4), dbSNP rs756725793, ClinGen allele CA382177743.

ClinVar aggregate classification (germline): Uncertain significance. Review status: criteria provided, single submitter (1 of 4 stars). 2 submissions from 2 submitters: Uncertain significance (1). 1 of the submissions does not count toward it. Last evaluated 2024-08-30.

Conditions:
Hearing loss, autosomal recessive 94. Also called: Deafness, autosomal recessive 94. Identifiers: MedGen C5193096, MONDO:0032749, OMIM 618434.

Submissions (2):

SIB Swiss Institute of Bioinformatics
Classification: Uncertain significance for Hearing loss, autosomal recessive 94. Last evaluated: 2024-08-30. Review status: criteria provided, single submitter. Criteria: ACMG Guidelines, 2015. Collection method: curation. Allele origin: unknown. Inheritance: Autosomal recessive inheritance.
Comment: This variant is interpreted as variant of uncertain significance for Deafness, autosomal recessive, 94. The following ACMG assertion criteria were applied: The variant is not present in gnomAD v4.1.0 (PM2_supporting ); it has been found in members of a consanguineous family with autosomal recessive deafness and segregated with the disorder in the family (PP1); functional analysis indicates a deleterious effect: contrary to the wild type, this variant is unable to rescue mitochondrial respiratory chain defects in NARS2-null patient fibroblasts (PS3_supporting).

OMIM
Classification: Pathogenic for DEAFNESS, AUTOSOMAL RECESSIVE 94 (1 family). Last evaluated: 2019-05-29. Review status: no assertion criteria provided. Collection method: literature only. Allele origin: germline. Not counted in ClinVar's aggregate classification.

Literature cited by the submitters: PubMed 25807530 (cited by SIB Swiss Institute of Bioinformatics and OMIM).